The following is an entry in ClinVar:

NM_000038.6(APC):c.6401C>T (p.Ser2134Phe)

Gene: APC (APC regulator of Wnt signaling pathway; plus strand). Cytogenetic location: 5q22.2.
Variant type: single nucleotide variant.
Coding change: c.6401C>T on transcript NM_000038.6 (MANE Select); coding-DNA position 6401, C replaced by T.
Protein change: p.Ser2134Phe; replaces serine 2134 with phenylalanine.
Molecular consequence: missense variant.
Genome position (GRCh38, 1-based): chr5:112,841,995, C>T. VCF-style: chr5-112841995-C-T. GRCh37 (hg19) VCF-style: chr5-112177692-C-T.
Other names: c.6401C>T, p.Ser2134Phe (NM_001127510.3, NM_001354895.2); c.6347C>T, p.Ser2116Phe (NM_001127511.3); c.6455C>T, p.Ser2152Phe (NM_001354896.2); c.6431C>T, p.Ser2144Phe (NM_001354897.2); c.6326C>T, p.Ser2109Phe (NM_001354898.2); c.6317C>T, p.Ser2106Phe (NM_001354899.2); c.6278C>T, p.Ser2093Phe (NM_001354900.2); c.6224C>T, p.Ser2075Phe (NM_001354901.2); and 5 more; short protein forms S2093F, S2109F, S2116F, S2134F, S1974F, S2033F, S2075F, S2106F.
Identifiers: ClinVar variation 1450550 (VCV001450550.10), dbSNP rs906640629, ClinGen allele CA16035349.

ClinVar aggregate classification (germline): Uncertain significance. Review status: criteria provided, multiple submitters, no conflicts (2 of 4 stars). 3 submissions from 3 submitters: Uncertain significance (3). Last evaluated 2024-08-05.

Conditions:
Hereditary cancer-predisposing syndrome. Also called: Hereditary Cancer Syndrome; Hereditary neoplastic syndrome; Neoplastic Syndromes, Hereditary; Tumor predisposition. Identifiers: Orphanet 140162, MedGen C0027672, MeSH D009386, MONDO:0015356.
Familial adenomatous polyposis 1 (FAP1). Also called: FAMILIAL ADENOMATOUS POLYPOSIS 1, ATTENUATED; POLYPOSIS, ADENOMATOUS INTESTINAL. Identifiers: MedGen C2713442, MONDO:0021056, OMIM 175100. Disease mechanism: loss of function.

Allele frequency attached by ClinVar (database versions not stated): gnomAD exomes below 0.00001.
gnomAD v4.1: 1 of 1,613,064 alleles (0.000062%); highest among the groups gnomAD compares: East Asian, 0.0022%; no homozygotes.

Submissions (3):

Labcorp Genetics (formerly Invitae), Labcorp
Classification: Uncertain significance for Familial adenomatous polyposis 1. Last evaluated: 2024-08-05. Review status: criteria provided, single submitter. Criteria: Invitae Variant Classification Sherloc (09022015). Collection method: clinical testing. Allele origin: germline.
Comment: This sequence change replaces serine, which is neutral and polar, with phenylalanine, which is neutral and non-polar, at codon 2134 of the APC protein (p.Ser2134Phe). This variant is not present in population databases (gnomAD no frequency). This variant has not been reported in the literature in individuals affected with APC-related conditions. ClinVar contains an entry for this variant (Variation ID: 1450550). Advanced modeling of protein sequence and biophysical properties (such as structural, functional, and spatial information, amino acid conservation, physicochemical variation, residue mobility, and thermodynamic stability) has been performed at Invitae for this missense variant, however the output from this modeling did not meet the statistical confidence thresholds required to predict the impact of this variant on APC protein function. In summary, the available evidence is currently insufficient to determine the role of this variant in disease. Therefore, it has been classified as a Variant of Uncertain Significance.

Color Diagnostics, LLC DBA Color Health
Classification: Uncertain significance for Hereditary cancer-predisposing syndrome. Last evaluated: 2024-03-07. Review status: criteria provided, single submitter. Criteria: ACMG Guidelines, 2015. Collection method: clinical testing. Allele origin: germline.
Comment: This missense variant replaces serine with phenylalanine at codon 2134 of the APC protein. Computational prediction is inconclusive regarding the impact of this variant on protein structure and function (internally defined REVEL score threshold 0.5 < inconclusive < 0.7, PMID: 27666373). To our knowledge, functional studies have not been reported for this variant. This variant has not been reported in individuals affected with hereditary cancer in the literature. This variant has not been identified in the general population by the Genome Aggregation Database (gnomAD). The available evidence is insufficient to determine the role of this variant in disease conclusively. Therefore, this variant is classified as a Variant of Uncertain Significance.

Ambry Genetics
Classification: Uncertain significance for Hereditary cancer-predisposing syndrome. Last evaluated: 2021-08-04. Review status: criteria provided, single submitter. Criteria: Ambry Variant Classification Scheme 2023. Collection method: clinical testing. Allele origin: germline.
Comment: The p.S2134F variant (also known as c.6401C>T), located in coding exon 15 of the APC gene, results from a C to T substitution at nucleotide position 6401. The serine at codon 2134 is replaced by phenylalanine, an amino acid with highly dissimilar properties. This amino acid position is highly conserved in available vertebrate species. In addition, in silico predictors for this gene do not accurately predict pathogenicity. Since supporting evidence is limited at this time, the clinical significance of this alteration remains unclear.